The following is an entry in ClinVar:

ClinVar aggregate classification (germline): Uncertain significance (1 of 4 stars; one submission).

Conditions:
PLXNA3-related disorder. Also called: PLXNA3-related condition.

gnomAD v4.1: 8 of 1,201,412 alleles (0.00067%); highest among the groups gnomAD compares: African/African-American, 0.012%; no homozygotes.

Submission:

PreventionGenetics, part of Exact Sciences
Classification: Uncertain significance for PLXNA3-related condition. Last evaluated: 2025-02-07. Review status: criteria provided, single submitter. Criteria: ACMG Guidelines, 2015. Collection method: clinical testing. Allele origin: germline.
Comment: The PLXNA3 c.2022G>T variant is predicted to result in the amino acid substitution p.Glu674Asp. To our knowledge, this variant has not been reported in the literature. This variant is reported in 0.017% of alleles in individuals of African descent in gnomAD. At this time, the clinical significance of this variant is uncertain due to the absence of conclusive functional and genetic evidence.

NM_017514.5(PLXNA3):c.2022G>T (p.Glu674Asp)

Gene: PLXNA3 (plexin A3; plus strand). Cytogenetic location: Xq28.
Variant type: single nucleotide variant.
Coding change: c.2022G>T on transcript NM_017514.5 (MANE Select); coding-DNA position 2022, G replaced by T.
Protein change: p.Glu674Asp; replaces glutamic acid 674 with aspartic acid.
Molecular consequence: missense variant.
Genome position (GRCh38, 1-based): chrX:154,464,847, G>T. VCF-style: chrX-154464847-G-T. GRCh37 (hg19) VCF-style: chrX-153693190-G-T.
Other names: short protein forms E674D.
Identifiers: ClinVar variation 4985173 (VCV004985173.1).